The following is an entry in ClinVar:

NM_001267550.2(TTN):c.59707G>A (p.Asp19903Asn)

Genes: TTN (titin; minus strand), TTN-AS1 (TTN antisense RNA 1; plus strand), LOC126806424 (CDK7 strongly-dependent group 2 enhancer GRCh37_chr2:179456337-179457536; plus strand). Cytogenetic location: 2q31.2.
Variant type: single nucleotide variant.
Coding change: c.59707G>A on transcript NM_001267550.2 (MANE Select); coding-DNA position 59707, G replaced by A.
Protein change: p.Asp19903Asn; replaces aspartic acid 19903 with asparagine.
Molecular consequence: missense variant.
Genome position (GRCh38, 1-based): chr2:178,592,197, C>T on the plus strand (G>A on the coding strand, the complement: TTN is on the minus strand). VCF-style: chr2-178592197-C-T. GRCh37 (hg19) VCF-style: chr2-179456924-C-T.
Other names: p.D17335N:GAT>AAT; c.54784G>A, p.Asp18262Asn (NM_001256850.1); c.52003G>A, p.Asp17335Asn (NM_133378.4); c.59707G>A (NM_001267550.1); c.32512G>A, p.Asp10838Asn (NM_003319.4); c.32887G>A, p.Asp10963Asn (NM_133432.3); c.33088G>A, p.Asp11030Asn (NM_133437.4); short protein forms D19903N, D17335N, D18262N, D10838N, D11030N, D10963N.
Identifiers: ClinVar variation 47154 (VCV000047154.12), dbSNP rs374163882, ClinGen allele CA140152.

ClinVar aggregate classification (germline): Conflicting classifications of pathogenicity. Review status: criteria provided, conflicting classifications (1 of 4 stars). 5 submissions from 5 submitters: Uncertain significance (3); Likely benign (1). 1 of the submissions does not count toward it. Last evaluated 2024-05-29.

Conditions:
TTN-related disorder. Also called: TTN-related disorders; TTN-related condition; TTN-related disease.
Hypertrophic cardiomyopathy 9. Also called: Familial hypertrophic cardiomyopathy 9. Identifiers: MedGen C1861065, MONDO:0013412, OMIM 613765.
Tibial muscular dystrophy (TMD). Also called: Tibial muscular dystrophy, tardive; UDD MYOPATHY; Udd Distal Myopathy – Tibial Muscular Dystrophy. Identifiers: Orphanet 609, MedGen C1838244, MONDO:0010870, OMIM 600334.
Myopathy, myofibrillar, 9, with early respiratory failure (MFM9). Also called: MYOPATHY, PROXIMAL, WITH EARLY RESPIRATORY MUSCLE INVOLVEMENT; Myopathy, distal, with early respiratory failure, autosomal dominant; Hereditary myopathy with early respiratory failure; EDSTROM MYOPATHY. Identifiers: Orphanet 178464, Orphanet 34521, MedGen C1863599, MONDO:0011362, OMIM 603689.
Early-onset myopathy with fatal cardiomyopathy (CMYO5). Also called: CONGENITAL MYOPATHY 5 WITH CARDIOMYOPATHY; Salih Myopathy. Identifiers: Orphanet 289377, MedGen C2673677, MONDO:0012714, OMIM 611705. Disease mechanism: loss of function.
Dilated cardiomyopathy 1G (CMD1G). Identifiers: Orphanet 154, MedGen C1858763, MONDO:0011400, OMIM 604145.
Autosomal recessive limb-girdle muscular dystrophy type 2J (LGMDR10). Also called: Limb-girdle muscular dystrophy, type 2J; MUSCULAR DYSTROPHY, LIMB-GIRDLE, AUTOSOMAL RECESSIVE 10. Identifiers: Orphanet 140922, MedGen C1837342, MONDO:0012127, OMIM 608807.
Cardiomyopathy (CMYO). Also called: Cardiomyopathies. Identifiers: Orphanet 167848, MedGen C0878544, MONDO:0004994, HP:0001638. Inheritance: Various modes of inheritance.

gnomAD v4.1: 5 of 1,612,134 alleles (0.00031%); highest among the groups gnomAD compares: Non-Finnish European, 0.00025%; no homozygotes.

Submissions (5):

GeneDx
Classification: Uncertain significance. Last evaluated: 2024-05-29. Review status: criteria provided, single submitter. Criteria: GeneDx Variant Classification Process June 2021. Collection method: clinical testing. Allele origin: germline. Affected: yes.
Comment: Not observed at significant frequency in large population cohorts (gnomAD); Missense variant in a gene in which most reported pathogenic variants are truncating/loss of function; Has not been previously published as pathogenic or benign to our knowledge

CHEO Genetics Diagnostic Laboratory, Children's Hospital of Eastern Ontario
Classification: Likely benign for Cardiomyopathy. Last evaluated: 2022-12-07. Review status: criteria provided, single submitter. Criteria: ACMG Guidelines, 2015. Collection method: clinical testing. Allele origin: germline.

Fulgent Genetics
Classification: Uncertain significance for Tibial muscular dystrophy; Myopathy, myofibrillar, 9, with early respiratory failure; Dilated cardiomyopathy 1G; Autosomal recessive limb-girdle muscular dystrophy type 2J; Early-onset myopathy with fatal cardiomyopathy; Hypertrophic cardiomyopathy 9. Last evaluated: 2021-10-12. Review status: criteria provided, single submitter. Criteria: ACMG Guidelines, 2015. Collection method: clinical testing. Allele origin: unknown.

Laboratory for Molecular Medicine, Mass General Brigham Personalized Medicine
Classification: Uncertain significance. Last evaluated: 2017-01-27. Review status: criteria provided, single submitter. Criteria: LMM Criteria. Collection method: clinical testing. Allele origin: germline. Observed: 6 variant alleles.
Comment: This variant was abse nt from large population studies. Computational prediction tools and conservatio n analysis do not provide strong support for or against an impact to the protein . In summary, the clinical significance of the p.Asp17335Asn variant is uncertai n.

PreventionGenetics, part of Exact Sciences
Classification: Uncertain significance for TTN-related condition. Last evaluated: 2024-04-18. Review status: no assertion criteria provided. Collection method: clinical testing. Allele origin: germline. Not counted in ClinVar's aggregate classification.
Comment: The TTN c.59707G>A variant is predicted to result in the amino acid substitution p.Asp19903Asn. To our knowledge, this variant has not been reported in the literature or in a large population database, indicating this variant is rare. This variant is located in the A-band region of the protein in which truncating TTN variants have been found more frequently in dilated cardiomyopathy patients than in controls (Herman et al. 2012. PubMed ID: 22335739). RNAseq studies from heart tissue indicate this exon is commonly included in TTN mRNA transcripts (PSI of 91-100%) (Roberts et al. 2015. PMID: 25589632). At this time, the clinical significance of this variant is uncertain due to the absence of conclusive functional and genetic evidence.